The following is an entry in ClinVar:

NM_006231.4(POLE):c.233T>G (p.Leu78Ter)

Gene: POLE (DNA polymerase epsilon, catalytic subunit; minus strand). Cytogenetic location: 12q24.33.
Variant type: single nucleotide variant.
Coding change: c.233T>G on transcript NM_006231.4 (MANE Select); coding-DNA position 233, T replaced by G.
Protein change: p.Leu78Ter; replaces leucine 78 with a stop codon.
Molecular consequence: nonsense.
Genome position (GRCh38, 1-based): chr12:132,680,659, A>C on the plus strand (T>G on the coding strand, the complement: POLE is on the minus strand). VCF-style: chr12-132680659-A-C. GRCh37 (hg19) VCF-style: chr12-133257245-A-C.
Other names: c.233T>G (NM_006231.2); short protein forms L78*.
Identifiers: ClinVar variation 842251 (VCV000842251.10), dbSNP rs1593087229, ClinGen allele CA387369243.

ClinVar aggregate classification (germline): Conflicting classifications of pathogenicity. Review status: criteria provided, conflicting classifications (1 of 4 stars). 2 submissions from 2 submitters: Pathogenic (1); Uncertain significance (1). Last evaluated 2025-11-05.

Conditions:
Hereditary cancer-predisposing syndrome. Also called: Hereditary Cancer Syndrome; Hereditary neoplastic syndrome; Tumor predisposition; Neoplastic Syndromes, Hereditary. Identifiers: Orphanet 140162, MedGen C0027672, MeSH D009386, MONDO:0015356.

Submissions (2):

Ambry Genetics
Classification: Uncertain significance for Hereditary cancer-predisposing syndrome. Last evaluated: 2025-11-05. Review status: criteria provided, single submitter. Criteria: Ambry Variant Classification Scheme 2023. Collection method: clinical testing. Allele origin: germline.
Comment: The p.L78* variant (also known as c.233T>G), located in coding exon 3 of the POLE gene, results from a T to G substitution at nucleotide position 233. This changes the amino acid from a leucine to a stop codon within coding exon 3. This alteration is expected to result in loss of function by premature protein truncation or nonsense-mediated mRNA decay. Although biallelic loss of function of POLE has been associated with autosomal recessive POLE deficiency, haploinsufficiency of POLE has not been established as a mechanism of disease for POLE-related polymerase proofreading-associated polyposis (PPAP) and POLE-related CMMRD-like syndrome. Based on the supporting evidence, this variant is expected to be causative of POLE deficiency when present along with a second pathogenic variant on the other allele; however, its clinical significance for PPAP and POLE-related CMMRD-like syndrome is unclear.

Labcorp Genetics (formerly Invitae), Labcorp
Classification: Pathogenic. Last evaluated: 2022-05-12. Review status: criteria provided, single submitter. Criteria: Invitae Variant Classification Sherloc (09022015). Collection method: clinical testing. Allele origin: germline.
Comment: ClinVar contains an entry for this variant (Variation ID: 842251). This variant has not been reported in the literature in individuals affected with POLE-related conditions. This variant is not present in population databases (gnomAD no frequency). This sequence change creates a premature translational stop signal (p.Leu78*) in the POLE gene. It is expected to result in an absent or disrupted protein product. Loss-of-function variants in POLE are known to be pathogenic (PMID: 23230001, 25948378, 30503519). For these reasons, this variant has been classified as Pathogenic.

Literature cited by the submitters: PubMed 23230001 (cited by Labcorp Genetics (formerly Invitae), Labcorp); PubMed 25948378 (cited by Labcorp Genetics (formerly Invitae), Labcorp); PubMed 30503519 (cited by Labcorp Genetics (formerly Invitae), Labcorp).